The following is an entry in ClinVar:

ClinVar aggregate classification (germline): Uncertain significance (1 of 4 stars; one submission).

Allele frequency attached by ClinVar (database versions not stated): TOPMed 0.00001.

Submission:

Labcorp Genetics (formerly Invitae), Labcorp
Classification: Uncertain significance. Last evaluated: 2023-03-19. Review status: criteria provided, single submitter. Criteria: Invitae Variant Classification Sherloc (09022015). Collection method: clinical testing. Allele origin: germline.
Comment: This sequence change replaces methionine, which is neutral and non-polar, with valine, which is neutral and non-polar, at codon 1995 of the DNAH9 protein (p.Met1995Val). This variant is present in population databases (rs575280777, gnomAD 0.004%). This variant has not been reported in the literature in individuals affected with DNAH9-related conditions. Advanced modeling of protein sequence and biophysical properties (such as structural, functional, and spatial information, amino acid conservation, physicochemical variation, residue mobility, and thermodynamic stability) performed at Invitae indicates that this missense variant is not expected to disrupt DNAH9 protein function. In summary, the available evidence is currently insufficient to determine the role of this variant in disease. Therefore, it has been classified as a Variant of Uncertain Significance.

NM_001372.4(DNAH9):c.5983A>G (p.Met1995Val)

Gene: DNAH9 (dynein axonemal heavy chain 9; plus strand). Cytogenetic location: 17p12.
Variant type: single nucleotide variant.
Coding change: c.5983A>G on transcript NM_001372.4 (MANE Select); coding-DNA position 5983, A replaced by G.
Protein change: p.Met1995Val; replaces methionine 1995 with valine.
Molecular consequence: missense variant.
Genome position (GRCh38, 1-based): chr17:11,742,185, A>G. VCF-style: chr17-11742185-A-G. GRCh37 (hg19) VCF-style: chr17-11645502-A-G.
Other names: short protein forms M1995V.
Identifiers: ClinVar variation 2808585 (VCV002808585.3), dbSNP rs575280777, ClinGen allele CA287814119.
Genomic context (GRCh38, chr17:11,742,185, plus strand): 5'-CAACACTGTACTTGGGAAACTGACTGGGCCTTCTGTCTTTCTATACTCAGGCCTTGTGCA[A>G]TGGTGGTTCCAGACTTTGAATTGATCTGTGAAATCATGCTGGTGGCAGAAGGATTCATTG-3'
Protein context (NP_001363.2, residues 1985-2005): NLKSLFRPCA[Met1995Val]VVPDFELICE